The following is an entry in ClinVar:

ClinVar aggregate classification (germline): Uncertain significance (1 of 4 stars; one submission).

Submission:

Labcorp Genetics (formerly Invitae), Labcorp
Classification: Uncertain significance. Last evaluated: 2019-06-06. Review status: criteria provided, single submitter. Criteria: Invitae Variant Classification Sherloc (09022015). Collection method: clinical testing. Allele origin: germline.
Comment: This variant has not been reported in the literature in individuals with POLE-related disease. This variant is not present in population databases (ExAC no frequency). This sequence change replaces glutamic acid with glutamine at codon 265 of the POLE protein (p.Glu265Gln). The glutamic acid residue is moderately conserved and there is a small physicochemical difference between glutamic acid and glutamine. Algorithms developed to predict the effect of missense changes on protein structure and function do not agree on the potential impact of this missense change (SIFT: "Tolerated"; PolyPhen-2: "Probably Damaging"; Align-GVGD: "Class C0"). In summary, the available evidence is currently insufficient to determine the role of this variant in disease. Therefore, it has been classified as a Variant of Uncertain Significance.

NM_006231.4(POLE):c.793G>C (p.Glu265Gln)

Gene: POLE (DNA polymerase epsilon, catalytic subunit; minus strand). Cytogenetic location: 12q24.33.
Variant type: single nucleotide variant.
Coding change: c.793G>C on transcript NM_006231.4 (MANE Select); coding-DNA position 793, G replaced by C.
Protein change: p.Glu265Gln; replaces glutamic acid 265 with glutamine.
Molecular consequence: missense variant.
Genome position (GRCh38, 1-based): chr12:132,677,371, C>G on the plus strand (G>C on the coding strand, the complement: POLE is on the minus strand). VCF-style: chr12-132677371-C-G. GRCh37 (hg19) VCF-style: chr12-133253957-C-G.
Other names: short protein forms E265Q.
Identifiers: ClinVar variation 575542 (VCV000575542.10), dbSNP rs1565977511, ClinGen allele CA387364416.
Genomic context (GRCh38, chr12:132,677,371, plus strand): 5'-CTCTCCAGAAAACTGGAAATTTTAGGATGAAGGTAACACAAGCAAAACTTACAGGTCGTT[C>G]AACAAGGTCATCTCGGCGGGTGATTTCTACCGGAAAAGCATTTCCTCGGTATCTGACATT-3'
Protein context (NP_006222.2, residues 255-275): VEITRRDDLV[Glu265Gln]RPDPVVLAFD